The following is an entry in ClinVar:

ClinVar aggregate classification (germline): Uncertain significance. Review status: criteria provided, multiple submitters, no conflicts (2 of 4 stars). 2 submissions from 2 submitters: Uncertain significance (2). Last evaluated 2024-05-28.

Conditions:
Nephronophthisis. Also called: Juvenile Nephronophthisis. Identifiers: Orphanet 655, MedGen C0687120, MONDO:0019005, HP:0000090.

Allele frequency attached by ClinVar (database versions not stated): ExAC 0.00001; gnomAD 0.00001; gnomAD exomes 0.00001; TOPMed 0.00001.
gnomAD v4.1: 12 of 1,606,336 alleles (0.00075%); highest among the groups gnomAD compares: Admixed American, 0.005%; no homozygotes.

Submissions (2):

Blueprint Genetics
Classification: Uncertain significance. Last evaluated: 2024-05-28. Review status: criteria provided, single submitter. Criteria: ACMG Guidelines, 2015. Collection method: clinical testing. Allele origin: germline.

Labcorp Genetics (formerly Invitae), Labcorp
Classification: Uncertain significance for Nephronophthisis. Last evaluated: 2021-08-30. Review status: criteria provided, single submitter. Criteria: Invitae Variant Classification Sherloc (09022015). Collection method: clinical testing. Allele origin: germline.
Comment: This sequence change replaces arginine with histidine at codon 914 of the NPHP4 protein (p.Arg914His). The arginine residue is highly conserved and there is a small physicochemical difference between arginine and histidine. This variant is present in population databases (rs780517756, ExAC 0.008%). This variant has not been reported in the literature in individuals affected with NPHP4-related conditions. Algorithms developed to predict the effect of missense changes on protein structure and function are either unavailable or do not agree on the potential impact of this missense change (SIFT: "Deleterious"; PolyPhen-2: "Possibly Damaging"; Align-GVGD: "Class C0"). In summary, the available evidence is currently insufficient to determine the role of this variant in disease. Therefore, it has been classified as a Variant of Uncertain Significance.

NM_015102.5(NPHP4):c.2741G>A (p.Arg914His)

Gene: NPHP4 (nephrocystin 4; minus strand). Cytogenetic location: 1p36.31.
Variant type: single nucleotide variant.
Coding change: c.2741G>A on transcript NM_015102.5 (MANE Select); coding-DNA position 2741, G replaced by A.
Protein change: p.Arg914His; replaces arginine 914 with histidine.
Molecular consequence: missense variant. On other transcripts: non-coding transcript variant (1).
Genome position (GRCh38, 1-based): chr1:5,877,169, C>T on the plus strand (G>A on the coding strand, the complement: NPHP4 is on the minus strand). VCF-style: chr1-5877169-C-T. GRCh37 (hg19) VCF-style: chr1-5937229-C-T.
Other names: c.1202G>A, p.Arg401His (NM_001291593.2); c.1205G>A, p.Arg402His (NM_001291594.2); short protein forms R401H, R402H, R914H.
Identifiers: ClinVar variation 957764 (VCV000957764.8), dbSNP rs780517756, ClinGen allele CA553948.
Genomic context (GRCh38, chr1:5,877,169, plus strand): 5'-CGCCGGCCCAAGTCTCCCCCGGCCTCCTGCAGGCGCACAGACCTCATCCGCTCCAGCTTA[C>T]GCCTGCGGGTGGCATCCGACTCGCGGCTGACGTCCTGGGGCCCCTTGCCCTGCCGGGCAT-3'
Protein context (NP_055917.1, residues 904-924): VSRESDATRR[Arg914His]KLERMRSVRL